The following is an entry in ClinVar:

NC_000015.9:g.(?_45386348)_(45399681_?)dup

Gene: DUOX2 (dual oxidase 2; minus strand). Cytogenetic location: 15q21.1.
Variant type: Duplication.
Identifiers: ClinVar variation 1388868 (VCV001388868.3).

ClinVar aggregate classification (germline): Uncertain significance (1 of 4 stars; one submission).

Submission:

Labcorp Genetics (formerly Invitae), Labcorp
Classification: Uncertain significance. Last evaluated: 2021-04-28. Review status: criteria provided, single submitter. Criteria: Invitae Variant Classification Sherloc (09022015). Collection method: clinical testing. Allele origin: germline.
Comment: This variant results in a copy number gain of the genomic region encompassing exon(s) 14-34 of the DUOX2 gene. The 5' boundary is likely confined to intron 13. The 3' end of this event is unknown as it extends beyond the assayed region for this gene and therefore may encompass additional genes. As the precise location of this event is unknown, it may be in tandem or it may be located elsewhere in the genome. This variant has not been reported in the literature in individuals with DUOX2-related conditions. Experimental studies and prediction algorithms are not available or were not evaluated, and the functional significance of this variant is currently unknown. In summary, the available evidence is currently insufficient to determine the role of this variant in disease. Therefore, it has been classified as a Variant of Uncertain Significance.